The following is an entry in ClinVar:

NM_001001557.4(GDF6):c.229G>C (p.Ala77Pro)

Gene: GDF6 (growth differentiation factor 6; minus strand). Cytogenetic location: 8q22.1.
Variant type: single nucleotide variant.
Coding change: c.229G>C on transcript NM_001001557.4 (MANE Select); coding-DNA position 229, G replaced by C.
Protein change: p.Ala77Pro; replaces alanine 77 with proline.
Molecular consequence: missense variant.
Genome position (GRCh38, 1-based): chr8:96,160,464, C>G on the plus strand (G>C on the coding strand, the complement: GDF6 is on the minus strand). VCF-style: chr8-96160464-C-G. GRCh37 (hg19) VCF-style: chr8-97172692-C-G.
Other names: short protein forms A77P.
Identifiers: ClinVar variation 2943047 (VCV002943047.3), dbSNP rs752395845, ClinGen allele CA4815524.

ClinVar aggregate classification (germline): Uncertain significance (1 of 4 stars; one submission).

Conditions:
Isolated microphthalmia 4. Identifiers: Orphanet 2542, MedGen C2751307, MONDO:0013130, OMIM 613094.
Leber congenital amaurosis 17 (LCA17). Identifiers: Orphanet 65, MedGen C3715164, MONDO:0014145, OMIM 615360.
Klippel-Feil syndrome 1, autosomal dominant (KFS1). Also called: CERVICAL VERTEBRAL FUSION, AUTOSOMAL DOMINANT. Identifiers: Orphanet 2345, MedGen C1861689, MONDO:0007306, OMIM 118100.
Microphthalmia, isolated, with coloboma 6 (MCOPCB6). Also called: MICROPHTHALMIA/COLOBOMA 6; Microphthalmia with coloboma 6, digenic; Microphthalmia with coloboma 6. Identifiers: Orphanet 98938, MedGen C3150968, MONDO:0013376, OMIM 613703.

Allele frequency attached by ClinVar (database versions not stated): ExAC 0.00001.

Submission:

Labcorp Genetics (formerly Invitae), Labcorp
Classification: Uncertain significance for Isolated microphthalmia 4; Leber congenital amaurosis 17; Klippel-Feil syndrome 1, autosomal dominant; Microphthalmia, isolated, with coloboma 6. Last evaluated: 2023-01-09. Review status: criteria provided, single submitter. Criteria: Invitae Variant Classification Sherloc (09022015). Collection method: clinical testing. Allele origin: germline.
Comment: In summary, the available evidence is currently insufficient to determine the role of this variant in disease. Therefore, it has been classified as a Variant of Uncertain Significance. Advanced modeling of protein sequence and biophysical properties (such as structural, functional, and spatial information, amino acid conservation, physicochemical variation, residue mobility, and thermodynamic stability) performed at Invitae indicates that this missense variant is not expected to disrupt GDF6 protein function. This variant has not been reported in the literature in individuals affected with GDF6-related conditions. This variant is not present in population databases (gnomAD no frequency). This sequence change replaces alanine, which is neutral and non-polar, with proline, which is neutral and non-polar, at codon 77 of the GDF6 protein (p.Ala77Pro).